The following is an entry in ClinVar:

ClinVar aggregate classification (germline): Uncertain significance (1 of 4 stars; one submission).

Allele frequency attached by ClinVar (database versions not stated): gnomAD 0.00001; gnomAD exomes 0.00001; ExAC 0.00002; 1000 Genomes Project 30x 0.00016; 1000 Genomes Project 0.00020.
gnomAD v4.1: 17 of 1,614,046 alleles (0.0011%); highest among the groups gnomAD compares: Middle Eastern, 0.017%; no homozygotes.

Submission:

Labcorp Genetics (formerly Invitae), Labcorp
Classification: Uncertain significance. Last evaluated: 2022-10-04. Review status: criteria provided, single submitter. Criteria: Invitae Variant Classification Sherloc (09022015). Collection method: clinical testing. Allele origin: germline.
Comment: In summary, the available evidence is currently insufficient to determine the role of this variant in disease. Therefore, it has been classified as a Variant of Uncertain Significance. Algorithms developed to predict the effect of missense changes on protein structure and function are either unavailable or do not agree on the potential impact of this missense change (SIFT: "Deleterious"; PolyPhen-2: "Probably Damaging"; Align-GVGD: "Class C0"). This variant has not been reported in the literature in individuals affected with HSPG2-related conditions. This variant is present in population databases (rs571959987, gnomAD 0.005%). This sequence change replaces threonine, which is neutral and polar, with methionine, which is neutral and non-polar, at codon 2016 of the HSPG2 protein (p.Thr2016Met).

NM_005529.7(HSPG2):c.6047C>T (p.Thr2016Met)

Gene: HSPG2 (heparan sulfate proteoglycan 2; minus strand). Cytogenetic location: 1p36.12.
Variant type: single nucleotide variant.
Coding change: c.6047C>T on transcript NM_005529.7 (MANE Select); coding-DNA position 6047, C replaced by T.
Protein change: p.Thr2016Met; replaces threonine 2016 with methionine.
Molecular consequence: missense variant.
Genome position (GRCh38, 1-based): chr1:21,854,934, G>A on the plus strand (C>T on the coding strand, the complement: HSPG2 is on the minus strand). VCF-style: chr1-21854934-G-A. GRCh37 (hg19) VCF-style: chr1-22181427-G-A.
Other names: c.6050C>T, p.Thr2017Met (NM_001291860.2); short protein forms T2017M, T2016M.
Identifiers: ClinVar variation 2082845 (VCV002082845.2), dbSNP rs571959987, ClinGen allele CA671689.